The following is an entry in ClinVar:

NM_015311.3(OBSL1):c.4855G>A (p.Ala1619Thr)

Gene: OBSL1 (obscurin like cytoskeletal adaptor 1; minus strand). Cytogenetic location: 2q35.
Variant type: single nucleotide variant.
Coding change: c.4855G>A on transcript NM_015311.3 (MANE Select); coding-DNA position 4855, G replaced by A.
Protein change: p.Ala1619Thr; replaces alanine 1619 with threonine.
Molecular consequence: missense variant.
Genome position (GRCh38, 1-based): chr2:219,554,495, C>T on the plus strand (G>A on the coding strand, the complement: OBSL1 is on the minus strand). VCF-style: chr2-219554495-C-T. GRCh37 (hg19) VCF-style: chr2-220419217-C-T.
Other names: short protein forms A1619T.
Identifiers: ClinVar variation 3604273 (VCV003604273.2).

ClinVar aggregate classification (germline): Uncertain significance (1 of 4 stars; one submission).

Submission:

Labcorp Genetics (formerly Invitae), Labcorp
Classification: Uncertain significance. Last evaluated: 2024-12-22. Review status: criteria provided, single submitter. Criteria: Invitae Variant Classification Sherloc (09022015). Collection method: clinical testing. Allele origin: germline.
Comment: This sequence change replaces alanine, which is neutral and non-polar, with threonine, which is neutral and polar, at codon 1619 of the OBSL1 protein (p.Ala1619Thr). This variant is present in population databases (rs573656951, gnomAD 0.02%). This variant has not been reported in the literature in individuals affected with OBSL1-related conditions. An algorithm developed to predict the effect of missense changes on protein structure and function (PolyPhen-2) suggests that this variant is likely to be tolerated. In summary, the available evidence is currently insufficient to determine the role of this variant in disease. Therefore, it has been classified as a Variant of Uncertain Significance.